The following is an entry in ClinVar:

NM_000206.3(IL2RG):c.662T>C (p.Phe221Ser)

Gene: IL2RG (interleukin 2 receptor subunit gamma; minus strand). Cytogenetic location: Xq13.1.
Variant type: single nucleotide variant.
Coding change: c.662T>C on transcript NM_000206.3 (MANE Select); coding-DNA position 662, T replaced by C.
Protein change: p.Phe221Ser; replaces phenylalanine 221 with serine.
Molecular consequence: missense variant.
Genome position (GRCh38, 1-based): chrX:71,109,323, A>G on the plus strand (T>C on the coding strand, the complement: IL2RG is on the minus strand). VCF-style: chrX-71109323-A-G. GRCh37 (hg19) VCF-style: chrX-70329173-A-G.
Other names: short protein forms F221S.
Identifiers: ClinVar variation 36387 (VCV000036387.3), dbSNP rs193922349, ClinGen allele CA260416.
Genomic context (GRCh38, chrX:71,109,323, plus strand): 5'-CTCCATTCACTCCAATGCTGAGCACTTCCACAGAGTGGGTTAAAGCGGCTCCGAACACGA[A>G]ACGTGTAGCGTTTCTGCCCATCCACACTAGGCAAGGAGAACTTATGTCTATAATCCACTG-3'
Protein context (NP_000197.1, residues 211-231): PSVDGQKRYT[Phe221Ser]RVRSRFNPLC

ClinVar aggregate classification (germline): Likely pathogenic (1 of 4 stars; one submission).

Conditions:
X-linked severe combined immunodeficiency (SCIDX1). Also called: IMMUNODEFICIENCY 4; X-Linked Combined Immunodeficiency Diseases; SCID, X-LINKED; SEVERE COMBINED IMMUNODEFICIENCY, X-LINKED, T CELL-NEGATIVE, B CELL-POSITIVE, NK CELL-NEGATIVE; T-B+ severe combined immunodeficiency due to gamma chain deficiency. Identifiers: Orphanet 276, MedGen C6022468, MONDO:0010315, OMIM 300400. Disease mechanism: loss of function.

Submission:

Women's Health and Genetics/Laboratory Corporation of America, LabCorp
Classification: Likely pathogenic for X-linked Severe Combined Immunodeficiency. Last evaluated: 2011-08-18. Review status: criteria provided, single submitter. Criteria: LabCorp Variant Classification Summary - May 2015. Collection method: curation, clinical testing. Allele origin: germline. Inheritance: Xlinked unknown. Affected: yes.
ClinVar note: Converted during submission from likely pathogenic to Likely pathogenic.